The following is an entry in ClinVar:

NM_181486.4(TBX5):c.147+3A>G

Gene: TBX5 (T-box transcription factor 5; minus strand). Cytogenetic location: 12q24.21.
Variant type: single nucleotide variant.
Coding change: c.147+3A>G on transcript NM_181486.4 (MANE Select); 3 bases into the intron after coding-DNA position 147, A replaced by G.
Molecular consequence: intron variant.
Genome position (GRCh38, 1-based): chr12:114,403,749, T>C on the plus strand (A>G on the coding strand, the complement: TBX5 is on the minus strand). VCF-style: chr12-114403749-T-C. GRCh37 (hg19) VCF-style: chr12-114841554-T-C.
Other names: c.-3-1829A>G (NM_080717.4); c.147+3A>G (NM_000192.3).
Identifiers: ClinVar variation 3966311 (VCV003966311.1).

ClinVar aggregate classification (germline): Uncertain significance (1 of 4 stars; one submission).

Conditions:
Cardiovascular phenotype. Identifiers: MedGen CN230736.

Submission:

Ambry Genetics
Classification: Uncertain significance for Cardiovascular phenotype. Last evaluated: 2025-06-09. Review status: criteria provided, single submitter. Criteria: Ambry Variant Classification Scheme 2023. Collection method: clinical testing. Allele origin: germline.
Comment: The c.147+3A>G intronic variant results from an A to G substitution 3 nucleotides after coding exon 1 in the TBX5 gene. This nucleotide position is highly conserved in available vertebrate species. In silico splice site analysis predicts that this alteration will not have any significant effect on splicing. Based on the available evidence, the clinical significance of this variant remains unclear.